The following is an entry in ClinVar:

ClinVar aggregate classification (germline): Pathogenic/Likely pathogenic. Review status: criteria provided, multiple submitters, no conflicts (2 of 4 stars). 4 submissions from 4 submitters: Pathogenic (2); Likely pathogenic (1). 1 of the submissions does not count toward it. Last evaluated 2024-11-20.

Conditions:
Congenital myasthenic syndrome 4A. Also called: Myasthenic syndrome, congenital, 4a, slow-channel; CONGENITAL MYASTHENIC SYNDROME TYPE Ia1; MYASTHENIC SYNDROME, CONGENITAL, 4A, SLOW-CHANNEL, AUTOSOMAL RECESSIVE. Identifiers: Orphanet 590, MedGen C4225413, MONDO:0011600, OMIM 605809.

Submissions (4):

3billion
Classification: Pathogenic for Congenital myasthenic syndrome 4A. Last evaluated: 2024-11-20. Review status: criteria provided, single submitter. Criteria: ACMG Guidelines, 2015. Collection method: clinical testing. Allele origin: germline. Affected: yes.
Comment: The variant is not observed in the gnomAD v4.1.0 dataset. Predicted Consequence/Location: Missense variant. The majority of the known disease-causing variants of this gene are variants expected to result in premature termination of the protein. Functional studies provide moderate evidence of the variant having a damaging effect on the gene or gene product (PMID: 7531341). In silico tool predictions suggest damaging effect of the variant on gene or gene product [REVEL: 0.96 (>=0.6, sensitivity 0.68 and specificity 0.92); 3Cnet: 0.87 (>=0.6, sensitivity 0.72 and precision 0.9)]. The same nucleotide change resulting in the same amino acid change has been previously reported as pathogenic/likely pathogenic with strong evidence (ClinVar ID: VCV000018343 /PMID: 7531341). The variant has been previously reported as assumed (i.e. paternity and maternity not confirmed) de novo in at least one similarly affected unrelated individual (PMID: 7531341). Therefore, this variant is classified as Pathogenic according to the recommendation of ACMG/AMP guideline.

CeGaT Center for Human Genetics Tuebingen
Classification: Likely pathogenic. Last evaluated: 2019-07-01. Review status: criteria provided, single submitter. Criteria: CeGaT Center For Human Genetics Tuebingen Variant Classification Criteria Version 2. Collection method: clinical testing. Allele origin: germline. Affected: yes. Observed: 1 variant allele.

Labcorp Genetics (formerly Invitae), Labcorp
Classification: Pathogenic for Congenital myasthenic syndrome 4A. Last evaluated: 2018-05-07. Review status: criteria provided, single submitter. Criteria: Invitae Variant Classification Sherloc (09022015). Collection method: clinical testing. Allele origin: germline.
Comment: This sequence change replaces threonine with proline at codon 284 of the CHRNE protein (p.Thr284Pro). The threonine residue is highly conserved and there is a small physicochemical difference between threonine and proline. This variant is not present in population databases (ExAC no frequency). This variant has been reported to be de novo in individuals affected with congenital myasthenic syndrome (PMID: 7531341, Invitae). This variant is also known as c.790A>C, p.Thr264Pro in the literature (PMID: 7531341). ClinVar contains an entry for this variant (Variation ID: 18343). For these reasons, this variant has been classified as Pathogenic. Experimental studies have shown that this missense change results in altered channel properties of the CHRNE protein (PMID: 7531341).

OMIM
Classification: Pathogenic for MYASTHENIC SYNDROME, CONGENITAL, 4A, SLOW-CHANNEL. Last evaluated: 1995-01-31. Review status: no assertion criteria provided. Collection method: literature only. Allele origin: germline. Not counted in ClinVar's aggregate classification.

Literature cited by the submitters: PubMed 7531341 (cited by 3 submitters).

NM_000080.4(CHRNE):c.850A>C (p.Thr284Pro)

Genes: CHRNE (cholinergic receptor nicotinic epsilon subunit; minus strand), C17orf107 (chromosome 17 open reading frame 107; plus strand). Cytogenetic location: 17p13.2.
Variant type: single nucleotide variant.
Coding change: c.850A>C on transcript NM_000080.4 (MANE Select); coding-DNA position 850, A replaced by C.
Protein change: p.Thr284Pro; replaces threonine 284 with proline.
Molecular consequence: missense variant. On other transcripts: 3 prime UTR variant (1).
Genome position (GRCh38, 1-based): chr17:4,900,860, T>G on the plus strand (A>C on the coding strand, the complement: CHRNE is on the minus strand). VCF-style: chr17-4900860-T-G. GRCh37 (hg19) VCF-style: chr17-4804155-T-G.
Other names: T264P; c.*327T>G (NM_001145536.2); short protein forms T284P.
Identifiers: ClinVar variation 18343 (VCV000018343.49), dbSNP rs121909510, ClinGen allele CA128055.